The following is an entry in ClinVar:

GRCh38/hg38 7q11.1-11.21(chr7:61006478-62410831)x1

Gene: TRH-GTG2-1 (tRNA-His (GTG) 2-1). Cytogenetic location: 1q21.2.
Variant type: copy number loss.
Change: copy number 1 (one copy instead of two) of chr7:61,006,478-62,410,831 (1.40 Mb, GRCh38 coordinates, 1-based), cytogenetic band 7q11.1-11.21.
Identifiers: ClinVar variation 57223 (VCV000057223.1).

ClinVar aggregate classification (germline): Benign (1 of 4 stars; one submission).

Submission:

ISCA site 4
Classification: Benign. Last evaluated: 2011-08-12. Review status: criteria provided, single submitter. Criteria: Kaminsky et al. (Genet Med. 2011). Collection method: clinical testing. Allele origin: unknown. Affected: yes. Observed: 1 variant allele.
Comment: Copy number variation identified through the course of routine clinical cytogenomic testing in postnatal populations. Clinical assertions have been curated as described in Kaminsky et al. 2011.